The following is an entry in ClinVar:

NM_001082486.2(ACD):c.242+5G>A

Gene: ACD (ACD shelterin complex subunit and telomerase recruitment factor; minus strand). Cytogenetic location: 16q22.1.
Variant type: single nucleotide variant.
Coding change: c.242+5G>A on transcript NM_001082486.2 (MANE Select); 5 bases into the intron after coding-DNA position 242, G replaced by A.
Molecular consequence: intron variant.
Genome position (GRCh38, 1-based): chr16:67,659,898, C>T on the plus strand (G>A on the coding strand, the complement: ACD is on the minus strand). VCF-style: chr16-67659898-C-T. GRCh37 (hg19) VCF-style: chr16-67693801-C-T.
Other names: c.233+5G>A (NM_022914.3).
Identifiers: ClinVar variation 2172634 (VCV002172634.4), dbSNP rs2543609937, ClinGen allele CA2576031039.
Genomic context (GRCh38, chr16:67,659,898, plus strand): 5'-AAGGCCCGCCCACCTCGCGCTCTCCTGCCGGACTCCGACCTCCAGAGCCGCGCGGGGCCT[C>T]TCACCAGTCCGAGGTGTCCAGGGCCTCCCGCGTCACCAGGCATCGGACACTGTGGGTCCC-3'

ClinVar aggregate classification (germline): Uncertain significance (1 of 4 stars; one submission).

Conditions:
Dyskeratosis congenita, autosomal dominant 6 (DKCA6). Identifiers: Orphanet 3322, MedGen C4225284, MONDO:0014690, OMIM 616553.

Allele frequency attached by ClinVar (database versions not stated): gnomAD exomes below 0.00001.

Submission:

Labcorp Genetics (formerly Invitae), Labcorp
Classification: Uncertain significance for Dyskeratosis congenita, autosomal dominant 6. Last evaluated: 2022-05-19. Review status: criteria provided, single submitter. Criteria: Invitae Variant Classification Sherloc (09022015). Collection method: clinical testing. Allele origin: germline.
Comment: This sequence change falls in intron 2 of the ACD gene. It does not directly change the encoded amino acid sequence of the ACD protein. It affects a nucleotide within the consensus splice site. This variant is not present in population databases (gnomAD no frequency). This variant has not been reported in the literature in individuals affected with ACD-related conditions. Variants that disrupt the consensus splice site are a relatively common cause of aberrant splicing (PMID: 17576681, 9536098). Algorithms developed to predict the effect of sequence changes on RNA splicing suggest that this variant may disrupt the consensus splice site. In summary, the available evidence is currently insufficient to determine the role of this variant in disease. Therefore, it has been classified as a Variant of Uncertain Significance.

Literature cited by the submitters: PubMed 17576681; PubMed 9536098.